The following is an entry in ClinVar:

NM_006648.4(WNK2):c.2078C>T (p.Pro693Leu)

Gene: WNK2 (WNK lysine deficient protein kinase 2; plus strand). Cytogenetic location: 9q22.31.
Variant type: single nucleotide variant.
Coding change: c.2078C>T on transcript NM_006648.4 (MANE Select); coding-DNA position 2078, C replaced by T.
Protein change: p.Pro693Leu; replaces proline 693 with leucine.
Molecular consequence: missense variant.
Genome position (GRCh38, 1-based): chr9:93,256,342, C>T. VCF-style: chr9-93256342-C-T. GRCh37 (hg19) VCF-style: chr9-96018624-C-T.
Other names: c.2078C>T, p.Pro693Leu (NM_001282394.3); short protein forms P693L.
Identifiers: ClinVar variation 3190620 (VCV003190620.2), dbSNP rs375452200, ClinGen allele CA5129496.
Genomic context (GRCh38, chr9:93,256,342, plus strand): 5'-CCTGGTGCTCTCTGCAGCCTGGCTTGCCGGTGGGCTCTGTCCCGGCCCCCGCCTGCCCTC[C>T]GTCCCTCCAGCAGCACTTCCCGGATCCGGCCATGAGCTTCGCCCCCGTGCTGCCGCCGCC-3'
Protein context (NP_006639.3, residues 683-703): VGSVPAPACP[Pro693Leu]SLQQHFPDPA

ClinVar aggregate classification (germline): Uncertain significance (1 of 4 stars; one submission).

Allele frequency attached by ClinVar (database versions not stated): ExAC 0.00002; gnomAD exomes 0.00003; gnomAD 0.00004; TOPMed 0.00006; ESP Exome Variant Server 0.00008.
gnomAD v4.1: 51 of 1,584,340 alleles (0.0032%); highest among the groups gnomAD compares: Middle Eastern, 0.018%; no homozygotes.

Submission:

Ambry Genetics
Classification: Uncertain significance. Last evaluated: 2024-11-22. Review status: criteria provided, single submitter. Criteria: Ambry Variant Classification Scheme 2023. Collection method: clinical testing. Allele origin: germline.
Comment: The p.P693L variant (also known as c.2078C>T), located in coding exon 9 of the WNK2 gene, results from a C to T substitution at nucleotide position 2078. The proline at codon 693 is replaced by leucine, an amino acid with similar properties. This amino acid position is conserved. In addition, this alteration is predicted to be tolerated by in silico analysis. Based on the available evidence, the clinical significance of this variant remains unclear.